The following is an entry in ClinVar:

ClinVar aggregate classification (germline): Likely benign (1 of 4 stars; one submission).

Allele frequency attached by ClinVar (database versions not stated): ESP Exome Variant Server 0.00008; gnomAD exomes below 0.00001; TOPMed below 0.00001; ExAC 0.00001.
gnomAD v4.1: 6 of 1,609,540 alleles (0.00037%); highest among the groups gnomAD compares: Middle Eastern, 0.017%; no homozygotes.

Submission:

GeneDx
Classification: Likely benign. Last evaluated: 2016-07-05. Review status: criteria provided, single submitter. Criteria: GeneDx Variant Classification (06012015). Collection method: clinical testing. Allele origin: germline. Affected: yes.
Comment: This variant is considered likely benign or benign based on one or more of the following criteria: it is a conservative change, it occurs at a poorly conserved position in the protein, it is predicted to be benign by multiple in silico algorithms, and/or has population frequency not consistent with disease.

NM_001371596.2(MFSD8):c.554-9C>G

Gene: MFSD8 (major facilitator superfamily domain containing 8; minus strand). Cytogenetic location: 4q28.2.
Variant type: single nucleotide variant.
Coding change: c.554-9C>G on transcript NM_001371596.2 (MANE Select); 9 bases into the intron before coding-DNA position 554, C replaced by G.
Molecular consequence: intron variant.
Genome position (GRCh38, 1-based): chr4:127,940,006, G>C on the plus strand (C>G on the coding strand, the complement: MFSD8 is on the minus strand). VCF-style: chr4-127940006-G-C. GRCh37 (hg19) VCF-style: chr4-128861161-G-C.
Other names: c.419-1170C>G (NM_001371595.1); c.304+3746C>G (NM_001410765.1); c.419-9C>G (NM_001371590.2); c.554-9C>G (NM_152778.4, NM_001371591.2); c.439+3746C>G (NM_001363521.3); c.440-9C>G (NM_001410766.1, NM_001371593.2); c.553+2039C>G (NM_001363520.3); c.554-1170C>G (NM_001371594.2); and 1 more.
Identifiers: ClinVar variation 387407 (VCV000387407.3), dbSNP rs372107576, ClinGen allele CA3077435.